The following is an entry in ClinVar:

NM_002582.4(PARN):c.1405+3A>G

Gene: PARN (poly(A)-specific ribonuclease; minus strand). Cytogenetic location: 16p13.12.
Variant type: single nucleotide variant.
Coding change: c.1405+3A>G on transcript NM_002582.4 (MANE Select); 3 bases into the intron after coding-DNA position 1405, A replaced by G.
Molecular consequence: intron variant.
Genome position (GRCh38, 1-based): chr16:14,554,062, T>C on the plus strand (A>G on the coding strand, the complement: PARN is on the minus strand). VCF-style: chr16-14554062-T-C. GRCh37 (hg19) VCF-style: chr16-14647919-T-C.
Other names: c.1222+3A>G (NM_001134477.3); c.1267+3A>G (NM_001242992.2); c.1405+3A>G (LRG_1286t1).
Identifiers: ClinVar variation 661001 (VCV000661001.7), dbSNP rs368839652, ClinGen allele CA7912046.
Genomic context (GRCh38, chr16:14,554,062, plus strand): 5'-TCTGACCACCTATACCAAATGAATAGCAAAACCCTAAAAAGTACATCTGAACTTGCGACT[T>C]ACCAAAGGCACTGAAAAGCTGGTAAAGGTCGCTGGTTTTCCATTCTTTGGGGAATGTCAC-3'

ClinVar aggregate classification (germline): Uncertain significance (1 of 4 stars; one submission).

Conditions:
Dyskeratosis congenita, autosomal recessive 6 (DKCB6). Identifiers: MedGen C4225356, MONDO:0014600, OMIM 616353.
Pulmonary fibrosis and/or bone marrow failure, Telomere-related, 4. Also called: PULMONARY FIBROSIS AND/OR BONE MARROW FAILURE SYNDROME, TELOMERE-RELATED, 4. Identifiers: Orphanet 2032, MedGen C4225347, MONDO:0014612, OMIM 616371.

Allele frequency attached by ClinVar (database versions not stated): ESP Exome Variant Server 0.00008; gnomAD 0.00008; gnomAD exomes 0.00003 and 0.00004; TOPMed 0.00004; ExAC 0.00005.
gnomAD v4.1: 62 of 1,603,480 alleles (0.0039%); highest among the groups gnomAD compares: Non-Finnish European, 0.0048%; no homozygotes.

Submission:

Labcorp Genetics (formerly Invitae), Labcorp
Classification: Uncertain significance for Dyskeratosis congenita, autosomal recessive 6; Pulmonary fibrosis and/or bone marrow failure, Telomere-related, 4. Last evaluated: 2025-11-25. Review status: criteria provided, single submitter. Criteria: Invitae Variant Classification Sherloc (09022015). Collection method: clinical testing. Allele origin: germline.
Comment: This sequence change falls in intron 20 of the PARN gene. It does not directly change the encoded amino acid sequence of the PARN protein. It affects a nucleotide within the consensus splice site. This variant is present in population databases (rs368839652, gnomAD 0.007%). This variant has not been reported in the literature in individuals affected with PARN-related conditions. ClinVar contains an entry for this variant (Variation ID: 661001). Variants that disrupt the consensus splice site are a relatively common cause of aberrant splicing (PMID: 17576681, 9536098). Algorithms developed to predict the effect of sequence changes on RNA splicing suggest that this variant is not likely to affect RNA splicing. In summary, the available evidence is currently insufficient to determine the role of this variant in disease. Therefore, it has been classified as a Variant of Uncertain Significance.

Literature cited by the submitters: PubMed 17576681; PubMed 9536098.